The following is an entry in ClinVar:

ClinVar aggregate classification (germline): Uncertain significance. Review status: criteria provided, single submitter (1 of 4 stars). 2 submissions from 2 submitters: Uncertain significance (1). 1 of the submissions does not count toward it. Last evaluated 2025-01-21.

Conditions:
Abnormal cartilage collagen. Identifiers: MedGen C4021847, HP:0008271.

Submissions (2):

Labcorp Genetics (formerly Invitae), Labcorp
Classification: Uncertain significance. Last evaluated: 2025-01-21. Review status: criteria provided, single submitter. Criteria: Invitae Variant Classification Sherloc (09022015). Collection method: clinical testing. Allele origin: germline.
Comment: This sequence change replaces serine, which is neutral and polar, with phenylalanine, which is neutral and non-polar, at codon 1221 of the COL2A1 protein (p.Ser1221Phe). This variant is not present in population databases (gnomAD no frequency). This missense change has been observed in individual(s) with clinical features of autosomal recessive spondyloepiphyseal dysplasia congenita (PMID: 34380476). ClinVar contains an entry for this variant (Variation ID: 1183965). Invitae Evidence Modeling of protein sequence and biophysical properties (such as structural, functional, and spatial information, amino acid conservation, physicochemical variation, residue mobility, and thermodynamic stability) has been performed for this missense variant. However, the output from this modeling did not meet the statistical confidence thresholds required to predict the impact of this variant on COL2A1 protein function. In summary, the available evidence is currently insufficient to determine the role of this variant in disease. Therefore, it has been classified as a Variant of Uncertain Significance.

Department of Endocrinology, Genetics and Metabolism, Shanghai Children's Medical Center
Classification: Uncertain significance for Abnormal cartilage collagen. Review status: no assertion criteria provided. Collection method: clinical testing. Allele origin: inherited. Inheritance: Autosomal recessive inheritance. Observed: 1 variant allele, 1 homozygote. Not counted in ClinVar's aggregate classification.
Comment: mild type II collagenopathies

Literature cited by the submitters: PubMed 34380476 (cited by Labcorp Genetics (formerly Invitae), Labcorp).

NM_001844.5(COL2A1):c.3662C>T (p.Ser1221Phe)

Gene: COL2A1 (collagen type II alpha 1 chain; minus strand). Cytogenetic location: 12q13.11.
Variant type: single nucleotide variant.
Coding change: c.3662C>T on transcript NM_001844.5 (MANE Select); coding-DNA position 3662, C replaced by T.
Protein change: p.Ser1221Phe; replaces serine 1221 with phenylalanine.
Molecular consequence: missense variant.
Genome position (GRCh38, 1-based): chr12:47,975,541, G>A on the plus strand (C>T on the coding strand, the complement: COL2A1 is on the minus strand). VCF-style: chr12-47975541-G-A. GRCh37 (hg19) VCF-style: chr12-48369324-G-A.
Other names: c.3455C>T, p.Ser1152Phe (NM_033150.3); short protein forms S1152F, S1221F.
Identifiers: ClinVar variation 1183965 (VCV001183965.3), dbSNP rs2136512203, ClinGen allele CA384536996.